The following is an entry in ClinVar:

ClinVar aggregate classification (germline): Benign/Likely benign. Review status: criteria provided, multiple submitters, no conflicts (2 of 4 stars). 3 submissions from 3 submitters: Benign (1); Likely benign (2). Last evaluated 2025-09-26.

Allele frequency attached by ClinVar (database versions not stated): ESP Exome Variant Server 0.00008; TOPMed 0.00009; gnomAD exomes 0.00046 and 0.00094; 1000 Genomes Project 0.00060; 1000 Genomes Project 30x 0.00062; gnomAD 0.00063 and 0.00065; ExAC 0.00109.
gnomAD v4.1: 780 of 1,606,468 alleles (0.049%); highest among the groups gnomAD compares: South Asian, 0.1%; 5 homozygotes.

Submissions (3):

Labcorp Genetics (formerly Invitae), Labcorp
Classification: Benign. Last evaluated: 2025-09-26. Review status: criteria provided, single submitter. Criteria: Invitae Variant Classification Sherloc (09022015). Collection method: clinical testing. Allele origin: germline.

Blueprint Genetics
Classification: Likely benign. Last evaluated: 2024-11-20. Review status: criteria provided, single submitter. Criteria: ACMG Guidelines, 2015. Collection method: clinical testing. Allele origin: germline.

CeGaT Center for Human Genetics Tuebingen
Classification: Likely benign. Last evaluated: 2024-09-01. Review status: criteria provided, single submitter. Criteria: CeGaT Center For Human Genetics Tuebingen Variant Classification Criteria Version 2. Collection method: clinical testing. Allele origin: germline. Affected: yes. Observed: 6 variant alleles.
Comment: SETD5: BP4, BP7, BS1

NM_001080517.3(SETD5):c.609T>G (p.Thr203=)

Gene: SETD5 (SET domain containing 5; plus strand). Cytogenetic location: 3p25.3.
Variant type: single nucleotide variant.
Coding change: c.609T>G on transcript NM_001080517.3 (MANE Select); coding-DNA position 609, T replaced by G.
Protein change: p.Thr203=; no amino-acid change (threonine 203 retained).
Molecular consequence: synonymous variant.
Genome position (GRCh38, 1-based): chr3:9,440,497, T>G. VCF-style: chr3-9440497-T-G. GRCh37 (hg19) VCF-style: chr3-9482181-T-G.
Other names: c.315T>G, p.Thr105= (NM_001292043.2, NM_001349451.2).
Identifiers: ClinVar variation 727297 (VCV000727297.37), dbSNP rs201728851, ClinGen allele CA2238987.
Genomic context (GRCh38, chr3:9,440,497, plus strand): 5'-CTGAATTTGTTTTCTACAGAATTCTCCCTCTGAAGCACAGAATTTAGATGAGAATACAAC[T>G]GAGGGCTGGGAAAATCGGATAAGACTATGGACTGACCAGTATGAAGAAGCTTTCACTAAT-3'
Protein context (NP_001073986.1, residues 193-213): SEAQNLDENT[Thr203=]EGWENRIRLW